The following is an entry in ClinVar:

NM_004370.6(COL12A1):c.2158G>A (p.Glu720Lys)

Gene: COL12A1 (collagen type XII alpha 1 chain; minus strand). Cytogenetic location: 6q13.
Variant type: single nucleotide variant.
Coding change: c.2158G>A on transcript NM_004370.6 (MANE Select); coding-DNA position 2158, G replaced by A.
Protein change: p.Glu720Lys; replaces glutamic acid 720 with lysine.
Molecular consequence: missense variant. On other transcripts: intron variant (1).
Genome position (GRCh38, 1-based): chr6:75,180,945, C>T on the plus strand (G>A on the coding strand, the complement: COL12A1 is on the minus strand). VCF-style: chr6-75180945-C-T. GRCh37 (hg19) VCF-style: chr6-75890661-C-T.
Other names: p.Glu720Lys; c.73+21775G>A (NM_080645.3); short protein forms E720K.
Identifiers: ClinVar variation 661884 (VCV000661884.20), dbSNP rs768052470, ClinGen allele CA3894057.
Genomic context (GRCh38, chr6:75,180,945, plus strand): 5'-TAGTGCAATAAATTATTCATTTTCTGAATAACAGTGGCAGAAACCCCATCACACCTTCTT[C>T]GGTGGTCTCCTCTCCAGCTAAGGGAATGCTGAAGCCATCCTCATACTCCGCAGTCACATT-3'
Protein context (NP_004361.3, residues 710-730): SIPLAGEETT[Glu720Lys]EVKGAPRNLK

ClinVar aggregate classification (germline): Conflicting classifications of pathogenicity. Review status: criteria provided, conflicting classifications (1 of 4 stars). 5 submissions from 5 submitters: Uncertain significance (4); Benign (1). Last evaluated 2026-01-28.

Conditions:
Ullrich congenital muscular dystrophy 2 (UCMD2). Identifiers: Orphanet 75840, MedGen C4225314, MONDO:0014654, OMIM 616470.
Bethlem myopathy 2 (BTHLM2). Identifiers: Orphanet 536516, Orphanet 610, MedGen C4225313, MONDO:0034022, OMIM 616471.

Allele frequency attached by ClinVar (database versions not stated): gnomAD exomes 0.00004 and 0.00008; ExAC 0.00008; gnomAD 0.00015 and 0.00016; TOPMed 0.00018.
gnomAD v4.1: 92 of 1,609,542 alleles (0.0057%); highest among the groups gnomAD compares: African/African-American, 0.032%; no homozygotes.

Submissions (5):

GeneDx
Classification: Uncertain significance. Last evaluated: 2026-01-28. Review status: criteria provided, single submitter. Criteria: GeneDx Variant Classification Process June 2021. Collection method: clinical testing. Allele origin: germline. Affected: yes.
Comment: In silico analysis suggests that this missense variant does not alter protein structure/function; Has not been previously published as pathogenic or benign to our knowledge

Women's Health and Genetics/Laboratory Corporation of America, LabCorp
Classification: Uncertain significance. Last evaluated: 2026-01-13. Review status: criteria provided, single submitter. Criteria: LabCorp Variant Classification Summary - May 2015. Collection method: clinical testing. Allele origin: germline.
Comment: Variant summary: COL12A1 c.2158G>A (p.Glu720Lys) results in a conservative amino acid change in the encoded protein sequence. Algorithms developed to predict the effect of missense changes on protein structure and function all suggest that this variant is likely to be tolerated. The variant allele was found at a frequency of 8.1e-05 in 247558 control chromosomes. This frequency is not significantly higher than estimated for disease-causing variants in COL12A1, allowing no conclusion about variant significance. To our knowledge, no occurrence of c.2158G>A in individuals affected with COL12A1-related conditions and no experimental evidence demonstrating its impact on protein function have been reported. ClinVar contains an entry for this variant (Variation ID: 661884). Based on the evidence outlined above, the variant was classified as uncertain significance.

Labcorp Genetics (formerly Invitae), Labcorp
Classification: Benign for Bethlem myopathy 2; Ullrich congenital muscular dystrophy 2. Last evaluated: 2025-11-10. Review status: criteria provided, single submitter. Criteria: Invitae Variant Classification Sherloc (09022015). Collection method: clinical testing. Allele origin: germline.

Mayo Clinic Laboratories, Mayo Clinic
Classification: Uncertain significance. Last evaluated: 2023-07-31. Review status: criteria provided, single submitter. Criteria: ACMG Guidelines, 2015. Collection method: clinical testing. Allele origin: germline. Observed: 1 variant allele.
Comment: BP4

Revvity Omics, Revvity
Classification: Uncertain significance. Last evaluated: 2019-01-24. Review status: criteria provided, single submitter. Criteria: ACMG Guidelines, 2015. Collection method: clinical testing. Allele origin: germline.